The following is an entry in ClinVar:

ClinVar aggregate classification (germline): Likely pathogenic (1 of 4 stars; one submission).

Conditions:
Wilson disease (WND). Also called: Wilson's disease. Identifiers: Orphanet 905, MedGen C0019202, MONDO:0010200, OMIM 277900. Disease mechanism: loss of function.

Submission:

Natera, Inc.
Classification: Likely pathogenic for Wilson disease. Last evaluated: 2024-08-14. Review status: criteria provided, single submitter. Criteria: Natera Variant Classification Schema (03/2026). Collection method: clinical testing. Allele origin: germline.
Comment: The c.3628del variant in ATP7B is a frameshift variant predicted to shift the reading frame beginning at codon 1210 and leads to a stop codon 9 codons downstream. This variant is expected to result in nonsense mediated decay, truncation, or a dysfunctional protein product. This variant is rare in the general population with a frequency below the threshold expected for the associated phenotype(s). Given the available evidence, this variant is classified as Likely Pathogenic.

NM_000053.4(ATP7B):c.3628del (p.Gln1210fs)

Gene: ATP7B (ATPase copper transporting beta; minus strand). Cytogenetic location: 13q14.3.
Variant type: Deletion.
Coding change: c.3628del on transcript NM_000053.4 (MANE Select); coding-DNA position 3628, one base deleted (C; older notation c.3628delC).
Protein change: p.Gln1210fs; shifts the reading frame from glutamine 1210.
Molecular consequence: frameshift variant.
Genome position (GRCh38, 1-based): chr13:51,939,122, G deleted on the plus strand (C on the coding strand, the reverse complement: ATP7B is on the minus strand). VCF-style (leftmost placement, unchanged base first): chr13-51939121-TG-T. GRCh37 (hg19) VCF-style: chr13-52513257-TG-T.
Other names: c.3007del, p.Gln1003fs (NM_001005918.3); c.3295del, p.Gln1099fs (NM_001243182.2); c.3394del, p.Gln1132fs (NM_001330578.2, NM_001406527.1, NM_001406528.1); c.3376del, p.Gln1126fs (NM_001330579.2, NM_001406531.1, NM_001406532.1); c.3628del, p.Gln1210fs (NM_001406511.1, NM_001406512.1, NM_001406526.1); c.3622del, p.Gln1208fs (NM_001406513.1); c.3595del, p.Gln1199fs (NM_001406514.1); c.3574del, p.Gln1192fs (NM_001406515.1, NM_001406516.1); and 20 more; short protein forms Q1003fs, Q1016fs, Q1046fs, Q1048fs, Q1061fs, Q1067fs, Q1084fs, Q1097fs.
Identifiers: ClinVar variation 4815433 (VCV004815433.1).